The following is an entry in ClinVar:

ClinVar aggregate classification (germline): Pathogenic (1 of 4 stars; one submission).

Conditions:
Familial cancer of breast. Also called: Hereditary breast cancer; BREAST CANCER, FAMILIAL; hereditary breast carcinoma. Identifiers: Orphanet 227535, MedGen C0346153, MONDO:0016419, OMIM 114480. Disease mechanism: loss of function.

Submission:

Myriad Genetics, Inc.
Classification: Pathogenic for Familial cancer of breast. Last evaluated: 2023-06-28. Review status: criteria provided, single submitter. Criteria: Myriad Autosomal Dominant, Autosomal Recessive and X-Linked Classification Criteria (2023). Collection method: clinical testing. Allele origin: unknown.
Comment: This variant is considered pathogenic. This variant creates a frameshift predicted to result in premature protein truncation.

NM_007194.4(CHEK2):c.1210dup (p.Tyr404fs)

Gene: CHEK2 (checkpoint kinase 2; minus strand). Cytogenetic location: 22q12.1.
Variant type: Duplication.
Coding change: c.1210dup on transcript NM_007194.4 (MANE Select); coding-DNA position 1210, one base duplicated (T; older notation c.1210dupT).
Protein change: p.Tyr404fs; shifts the reading frame from tyrosine 404.
Molecular consequence: frameshift variant.
Genome position (GRCh38, 1-based): chr22:28,695,759, A duplicated on the plus strand (T on the coding strand, the reverse complement: CHEK2 is on the minus strand). VCF-style (leftmost placement, unchanged base first): chr22-28695758-T-TA. GRCh37 (hg19) VCF-style: chr22-29091746-T-TA.
Other names: c.1339dup, p.Tyr447Leufs (NM_001005735.3); c.547dup, p.Tyr183Leufs (NM_001257387.3); c.1009dup, p.Tyr337Leufs (NM_001349956.3); c.1123dup, p.Tyr375Leufs (NM_145862.3); short protein forms Y183fs, Y337fs, Y375fs, Y404fs, Y447fs.
Identifiers: ClinVar variation 2583744 (VCV002583744.2), dbSNP rs2052554226, ClinGen allele CA2582342789.